The following is an entry in ClinVar:

NM_001376.5(DYNC1H1):c.8864G>A (p.Gly2955Asp)

Gene: DYNC1H1 (dynein cytoplasmic 1 heavy chain 1; plus strand). Cytogenetic location: 14q32.31.
Variant type: single nucleotide variant.
Coding change: c.8864G>A on transcript NM_001376.5 (MANE Select); coding-DNA position 8864, G replaced by A.
Protein change: p.Gly2955Asp; replaces glycine 2955 with aspartic acid.
Molecular consequence: missense variant.
Genome position (GRCh38, 1-based): chr14:102,027,266, G>A. VCF-style: chr14-102027266-G-A. GRCh37 (hg19) VCF-style: chr14-102493603-G-A.
Other names: short protein forms G2955D.
Identifiers: ClinVar variation 1714912 (VCV001714912.5), dbSNP rs2503803575, ClinGen allele CA391010149.

ClinVar aggregate classification (germline): Uncertain significance (1 of 4 stars; one submission).

Conditions:
Charcot-Marie-Tooth disease axonal type 2O. Also called: CHARCOT-MARIE-TOOTH NEUROPATHY, AXONAL, TYPE 2O; CHARCOT-MARIE-TOOTH DISEASE, AXONAL, AUTOSOMAL DOMINANT, TYPE 2O; Charcot-Marie-Tooth Neuropathy Type 2O; Charcot-Marie-Tooth disease, axonal, type 20. Identifiers: Orphanet 284232, MedGen C3280220, MONDO:0013644, OMIM 614228.

Submission:

Labcorp Genetics (formerly Invitae), Labcorp
Classification: Uncertain significance for Charcot-Marie-Tooth disease axonal type 2O. Last evaluated: 2022-08-03. Review status: criteria provided, single submitter. Criteria: Invitae Variant Classification Sherloc (09022015). Collection method: clinical testing. Allele origin: germline.
Comment: This sequence change replaces glycine, which is neutral and non-polar, with aspartic acid, which is acidic and polar, at codon 2955 of the DYNC1H1 protein (p.Gly2955Asp). This variant is not present in population databases (gnomAD no frequency). This variant has not been reported in the literature in individuals affected with DYNC1H1-related conditions. Algorithms developed to predict the effect of missense changes on protein structure and function are either unavailable or do not agree on the potential impact of this missense change (SIFT: "Deleterious"; PolyPhen-2: "Possibly Damaging"; Align-GVGD: "Class C0"). In summary, the available evidence is currently insufficient to determine the role of this variant in disease. Therefore, it has been classified as a Variant of Uncertain Significance.